The following is an entry in ClinVar:

ClinVar aggregate classification (germline): Uncertain significance. Review status: criteria provided, multiple submitters, no conflicts (2 of 4 stars). 2 submissions from 2 submitters: Uncertain significance (2). Last evaluated 2026-03-24.

Conditions:
Cardiovascular phenotype. Identifiers: MedGen CN230736.
Hereditary cancer-predisposing syndrome. Also called: Neoplastic Syndromes, Hereditary; Tumor predisposition; Hereditary Cancer Syndrome; Hereditary neoplastic syndrome. Identifiers: Orphanet 140162, MedGen C0027672, MeSH D009386, MONDO:0015356.

gnomAD v4.1: 2 of 1,614,052 alleles (0.00012%); highest among the groups gnomAD compares: Non-Finnish European, 0.00017%; no homozygotes.

Submissions (2):

Ambry Genetics
Classification: Uncertain significance for Cardiovascular phenotype; Hereditary cancer-predisposing syndrome. Last evaluated: 2026-03-24. Review status: criteria provided, single submitter. Criteria: Ambry Variant Classification Scheme 2023. Collection method: clinical testing. Allele origin: germline.
Comment: The p.G84D variant (also known as c.251G>A), located in coding exon 2 of the LZTR1 gene, results from a G to A substitution at nucleotide position 251. The glycine at codon 84 is replaced by aspartic acid, an amino acid with similar properties. This amino acid position is conserved. In addition, this alteration is predicted to be deleterious by in silico analysis. Based on the available evidence, the clinical significance of this variant remains unclear.

Labcorp Genetics (formerly Invitae), Labcorp
Classification: Uncertain significance. Last evaluated: 2025-11-22. Review status: criteria provided, single submitter. Criteria: Invitae Variant Classification Sherloc (09022015). Collection method: clinical testing. Allele origin: germline.
Comment: This sequence change replaces glycine, which is neutral and non-polar, with aspartic acid, which is acidic and polar, at codon 84 of the LZTR1 protein (p.Gly84Asp). This variant is present in population databases (rs771706016, gnomAD 0.0009%). This variant has not been reported in the literature in individuals affected with LZTR1-related conditions. Invitae Evidence Modeling of protein sequence and biophysical properties (such as structural, functional, and spatial information, amino acid conservation, physicochemical variation, residue mobility, and thermodynamic stability) indicates that this missense variant is not expected to disrupt LZTR1 protein function with a negative predictive value of 80%. In summary, the available evidence is currently insufficient to determine the role of this variant in disease. Therefore, it has been classified as a Variant of Uncertain Significance.

NM_006767.4(LZTR1):c.251G>A (p.Gly84Asp)

Gene: LZTR1 (leucine zipper like post translational regulator 1; plus strand). Cytogenetic location: 22q11.21.
Variant type: single nucleotide variant.
Coding change: c.251G>A on transcript NM_006767.4 (MANE Select); coding-DNA position 251, G replaced by A.
Protein change: p.Gly84Asp; replaces glycine 84 with aspartic acid.
Molecular consequence: missense variant.
Genome position (GRCh38, 1-based): chr22:20,983,077, G>A. VCF-style: chr22-20983077-G-A. GRCh37 (hg19) VCF-style: chr22-21337366-G-A.
Other names: c.251G>A (NM_006767.3); short protein forms G84D.
Identifiers: ClinVar variation 4708677 (VCV004708677.2).